The following is an entry in ClinVar:

ClinVar aggregate classification (germline): Uncertain significance (1 of 4 stars; one submission).

Conditions:
Familial cancer of breast. Also called: Hereditary breast cancer; BREAST CANCER, FAMILIAL; hereditary breast carcinoma. Identifiers: Orphanet 227535, MedGen C0346153, MONDO:0016419, OMIM 114480. Disease mechanism: loss of function.
Fanconi anemia complementation group J. Also called: BRIP1-Related Fanconi Anemia. Identifiers: Orphanet 84, MedGen C1836860, MONDO:0012187, OMIM 609054.

Submission:

Labcorp Genetics (formerly Invitae), Labcorp
Classification: Uncertain significance for Familial cancer of breast; Fanconi anemia complementation group J. Last evaluated: 2021-10-12. Review status: criteria provided, single submitter. Criteria: Invitae Variant Classification Sherloc (09022015). Collection method: clinical testing. Allele origin: germline.
Comment: In summary, the available evidence is currently insufficient to determine the role of this variant in disease. Therefore, it has been classified as a Variant of Uncertain Significance. This variant is not present in population databases (ExAC no frequency). This variant has not been reported in the literature in individuals affected with BRIP1-related conditions. This sequence change creates a premature translational stop signal (p.Gly1211Valfs*3) in the BRIP1 gene. While this is not anticipated to result in nonsense mediated decay, it is expected to disrupt the last 39 amino acid(s) of the BRIP1 protein.

NM_032043.3(BRIP1):c.3632del (p.Gly1211fs)

Gene: BRIP1 (BRCA1 interacting DNA helicase 1; minus strand). Cytogenetic location: 17q23.2.
Variant type: Deletion.
Coding change: c.3632del on transcript NM_032043.3 (MANE Select); coding-DNA position 3632, one base deleted (G; older notation c.3632delG).
Protein change: p.Gly1211fs; shifts the reading frame from glycine 1211.
Molecular consequence: frameshift variant.
Genome position (GRCh38, 1-based): chr17:61,683,414, C deleted on the plus strand (G on the coding strand, the reverse complement: BRIP1 is on the minus strand); the first of 2 consecutive C bases (chr17:61,683,414-61,683,415); deleting either gives the same sequence. VCF-style (leftmost placement, unchanged base first): chr17-61683413-AC-A. GRCh37 (hg19) VCF-style: chr17-59760774-AC-A.
Other names: short protein forms G1211fs.
Identifiers: ClinVar variation 1467202 (VCV001467202.7), dbSNP rs2144069324, ClinGen allele CA2573154274.